The following is an entry in ClinVar:

ClinVar aggregate classification (germline): Uncertain significance (1 of 4 stars; one submission).

Conditions:
TP63-Related Spectrum Disorders.

Allele frequency attached by ClinVar (database versions not stated): gnomAD exomes 0.00001.
gnomAD v4.1: 11 of 1,614,106 alleles (0.00068%); highest among the groups gnomAD compares: Admixed American, 0.0017%; no homozygotes.

Submission:

Labcorp Genetics (formerly Invitae), Labcorp
Classification: Uncertain significance. Last evaluated: 2022-12-24. Review status: criteria provided, single submitter. Criteria: Invitae Variant Classification Sherloc (09022015). Collection method: clinical testing. Allele origin: germline.
Comment: This variant is not present in population databases (gnomAD no frequency). This variant has not been reported in the literature in individuals affected with TP63-related conditions. Advanced modeling of protein sequence and biophysical properties (such as structural, functional, and spatial information, amino acid conservation, physicochemical variation, residue mobility, and thermodynamic stability) has been performed at Invitae for this missense variant, however the output from this modeling did not meet the statistical confidence thresholds required to predict the impact of this variant on TP63 protein function. In summary, the available evidence is currently insufficient to determine the role of this variant in disease. Therefore, it has been classified as a Variant of Uncertain Significance. This sequence change replaces serine, which is neutral and polar, with phenylalanine, which is neutral and non-polar, at codon 463 of the TP63 protein (p.Ser463Phe).

NM_003722.5(TP63):c.1388C>T (p.Ser463Phe)

Gene: TP63 (tumor protein p63; plus strand). Cytogenetic location: 3q28.
Variant type: single nucleotide variant.
Coding change: c.1388C>T on transcript NM_003722.5 (MANE Select); coding-DNA position 1388, C replaced by T.
Protein change: p.Ser463Phe; replaces serine 463 with phenylalanine.
Molecular consequence: missense variant.
Genome position (GRCh38, 1-based): chr3:189,886,432, C>T. VCF-style: chr3-189886432-C-T. GRCh37 (hg19) VCF-style: chr3-189604221-C-T.
Other names: c.839C>T, p.Ser280Phe (NM_001329150.2); c.1382C>T, p.Ser461Phe (NM_001329964.2); c.1388C>T, p.Ser463Phe (NM_001114978.2, NM_001329144.2); c.1106C>T, p.Ser369Phe (NM_001114980.2, NM_001114981.2, NM_001329145.2); c.851C>T, p.Ser284Phe (NM_001329146.2); c.1376C>T, p.Ser459Phe (NM_001329148.2); c.1094C>T, p.Ser365Phe (NM_001329149.2); short protein forms S284F, S461F, S369F, S459F, S463F, S280F, S365F.
Identifiers: ClinVar variation 2907137 (VCV002907137.2), dbSNP rs1720452873, ClinGen allele CA355757323.